The following is an entry in ClinVar:

NM_003482.4(KMT2D):c.3352C>A (p.Leu1118Ile)

Gene: KMT2D (lysine methyltransferase 2D; minus strand). Cytogenetic location: 12q13.12.
Variant type: single nucleotide variant.
Coding change: c.3352C>A on transcript NM_003482.4 (MANE Select); coding-DNA position 3352, C replaced by A.
Protein change: p.Leu1118Ile; replaces leucine 1118 with isoleucine.
Molecular consequence: missense variant.
Genome position (GRCh38, 1-based): chr12:49,050,236, G>T on the plus strand (C>A on the coding strand, the complement: KMT2D is on the minus strand). VCF-style: chr12-49050236-G-T. GRCh37 (hg19) VCF-style: chr12-49444019-G-T.
Other names: short protein forms L1118I.
Identifiers: ClinVar variation 2808428 (VCV002808428.3), dbSNP rs765867951, ClinGen allele CA384657240.
Genomic context (GRCh38, chr12:49,050,236, plus strand): 5'-CAGGCTCTGGCTGTGAACCCGGAGCATCAATCCCATCCAGAGGGGCTGTGTCTTCCCCTA[G>T]GCCAGAGAAGTCATCCAGGGCTGGGGCAGGGCTGGGGGCGGGGCAGGAAAGGTCCCCCAT-3'
Protein context (NP_003473.3, residues 1108-1128): PAPALDDFSG[Leu1118Ile]GEDTAPLDGI

ClinVar aggregate classification (germline): Uncertain significance (1 of 4 stars; one submission).

Conditions:
Kabuki syndrome. Also called: Kabuki make-up syndrome; NIIKAWA-KUROKI SYNDROME. Identifiers: Orphanet 2322, MedGen C0796004, MONDO:0016512.

Submission:

Labcorp Genetics (formerly Invitae), Labcorp
Classification: Uncertain significance for Kabuki syndrome. Last evaluated: 2023-02-19. Review status: criteria provided, single submitter. Criteria: Invitae Variant Classification Sherloc (09022015). Collection method: clinical testing. Allele origin: germline.
Comment: This variant is not present in population databases (gnomAD no frequency). This sequence change replaces leucine, which is neutral and non-polar, with isoleucine, which is neutral and non-polar, at codon 1118 of the KMT2D protein (p.Leu1118Ile). This variant has not been reported in the literature in individuals affected with KMT2D-related conditions. In summary, the available evidence is currently insufficient to determine the role of this variant in disease. Therefore, it has been classified as a Variant of Uncertain Significance. Advanced modeling of protein sequence and biophysical properties (such as structural, functional, and spatial information, amino acid conservation, physicochemical variation, residue mobility, and thermodynamic stability) performed at Invitae indicates that this missense variant is not expected to disrupt KMT2D protein function.